The following is an entry in ClinVar:

NM_002519.3(NPAT):c.644C>G (p.Ser215Cys)

Gene: NPAT (nuclear protein, coactivator of histone transcription; minus strand). Cytogenetic location: 11q22.3.
Variant type: single nucleotide variant.
Coding change: c.644C>G on transcript NM_002519.3 (MANE Select); coding-DNA position 644, C replaced by G.
Protein change: p.Ser215Cys; replaces serine 215 with cysteine.
Molecular consequence: missense variant.
Genome position (GRCh38, 1-based): chr11:108,186,564, G>C on the plus strand (C>G on the coding strand, the complement: NPAT is on the minus strand). VCF-style: chr11-108186564-G-C. GRCh37 (hg19) VCF-style: chr11-108057291-G-C.
Other names: c.644C>G, p.Ser215Cys (NM_001321307.1); short protein forms S215C.
Identifiers: ClinVar variation 1753594 (VCV001753594.2), dbSNP rs2078110168, ClinGen allele CA382522614.

ClinVar aggregate classification (germline): Uncertain significance (1 of 4 stars; one submission).

Allele frequency attached by ClinVar (database versions not stated): gnomAD exomes below 0.00001; TOPMed below 0.00001.
gnomAD v4.1: 1 of 1,613,138 alleles (0.000062%); highest among the groups gnomAD compares: Non-Finnish European, 0.000085%; no homozygotes.

Submission:

Ambry Genetics
Classification: Uncertain significance. Last evaluated: 2023-10-22. Review status: criteria provided, single submitter. Criteria: Ambry Variant Classification Scheme 2023. Collection method: clinical testing. Allele origin: germline.
Comment: The p.S215C variant (also known as c.644C>G), located in coding exon 8 of the NPAT gene, results from a C to G substitution at nucleotide position 644. The serine at codon 215 is replaced by cysteine, an amino acid with dissimilar properties. This amino acid position is conserved. In addition, this alteration is predicted to be tolerated by in silico analysis. Since supporting evidence is limited at this time, the clinical significance of this alteration remains unclear.